The following is an entry in ClinVar:

ClinVar aggregate classification (germline): Uncertain significance (1 of 4 stars; one submission).

gnomAD v4.1: 1 of 1,593,684 alleles (0.000063%); highest among the groups gnomAD compares: South Asian, 0.0011%; no homozygotes.

Submission:

GeneDx
Classification: Uncertain significance. Last evaluated: 2024-11-15. Review status: criteria provided, single submitter. Criteria: GeneDx Variant Classification Process June 2021. Collection method: clinical testing. Allele origin: germline. Affected: yes.
Comment: Not observed at significant frequency in large population cohorts (gnomAD); In silico analysis indicates that this missense variant does not alter protein structure/function; Has not been previously published as pathogenic or benign to our knowledge

NM_022454.4(SOX17):c.70A>T (p.Met24Leu)

Gene: SOX17 (SRY-box transcription factor 17; plus strand). Cytogenetic location: 8q11.23.
Variant type: single nucleotide variant.
Coding change: c.70A>T on transcript NM_022454.4 (MANE Select); coding-DNA position 70, A replaced by T.
Protein change: p.Met24Leu; replaces methionine 24 with leucine.
Molecular consequence: missense variant.
Genome position (GRCh38, 1-based): chr8:54,458,208, A>T. VCF-style: chr8-54458208-A-T. GRCh37 (hg19) VCF-style: chr8-55370768-A-T.
Other names: short protein forms M24L.
Identifiers: ClinVar variation 3899491 (VCV003899491.1).